The following is an entry in ClinVar:

NM_006563.5(KLF1):c.749G>C (p.Gly250Ala)

Genes: KLF1 (KLF transcription factor 1; minus strand), LOC117125591 (CRISPRi-FlowFISH-validated PRDX2 and RAD23A regulatory element; plus strand). Cytogenetic location: 19p13.13.
Variant type: single nucleotide variant.
Coding change: c.749G>C on transcript NM_006563.5 (MANE Select); coding-DNA position 749, G replaced by C.
Protein change: p.Gly250Ala; replaces glycine 250 with alanine.
Molecular consequence: missense variant.
Genome position (GRCh38, 1-based): chr19:12,885,481, C>G on the plus strand (G>C on the coding strand, the complement: KLF1 is on the minus strand). VCF-style: chr19-12885481-C-G. GRCh37 (hg19) VCF-style: chr19-12996295-C-G.
Other names: short protein forms G250A.
Identifiers: ClinVar variation 4741182 (VCV004741182.2).

ClinVar aggregate classification (germline): Uncertain significance. Review status: criteria provided, multiple submitters, no conflicts (2 of 4 stars). 2 submissions from 2 submitters: Uncertain significance (2). Last evaluated 2026-01-19.

Conditions:
KLF1-related disorder. Also called: KLF1-related condition; KLF1-Related Disorders.

gnomAD v4.1: 31 of 1,602,396 alleles (0.0019%); highest among the groups gnomAD compares: Middle Eastern, 0.099%; no homozygotes.

Submissions (2):

Labcorp Genetics (formerly Invitae), Labcorp
Classification: Uncertain significance. Last evaluated: 2026-01-19. Review status: criteria provided, single submitter. Criteria: Invitae Variant Classification Sherloc (09022015). Collection method: clinical testing. Allele origin: germline.
Comment: This sequence change replaces glycine, which is neutral and non-polar, with alanine, which is neutral and non-polar, at codon 250 of the KLF1 protein (p.Gly250Ala). This variant is present in population databases (rs773618515, gnomAD 0.01%). This missense change has been observed in individual(s) with increased fetal hemoglobin levels (PMID: 22102705). Invitae Evidence Modeling of protein sequence and biophysical properties (such as structural, functional, and spatial information, amino acid conservation, physicochemical variation, residue mobility, and thermodynamic stability) indicates that this missense variant is not expected to disrupt KLF1 protein function with a negative predictive value of 80%. In summary, the available evidence is currently insufficient to determine the role of this variant in disease. Therefore, it has been classified as a Variant of Uncertain Significance.

PreventionGenetics, part of Exact Sciences
Classification: Uncertain significance for KLF1-related condition. Last evaluated: 2025-07-21. Review status: criteria provided, single submitter. Criteria: ACMG Guidelines, 2015. Collection method: clinical testing. Allele origin: germline.
Comment: The KLF1 c.749G>C variant is predicted to result in the amino acid substitution p.Gly250Ala. To our knowledge, this variant has not been reported in the literature in association with KLF1-related disorders. This variant is reported in 0.011% of alleles in individuals of Ashkenazi Jewish descent in gnomAD. At this time, the clinical significance of this variant is uncertain due to the absence of conclusive functional and genetic evidence.

Literature cited by the submitters: PubMed 22102705 (cited by Labcorp Genetics (formerly Invitae), Labcorp).